The following is an entry in ClinVar:

ClinVar aggregate classification (germline): Uncertain significance (1 of 4 stars; one submission).

Conditions:
Global developmental delay (DD). Also called: Cognitive delay. Identifiers: MedGen C0557874, HP:0001263. Disease mechanism: loss of function.

Submission:

3billion
Classification: Uncertain significance for Global developmental delay. Last evaluated: 2021-10-25. Review status: criteria provided, single submitter. Criteria: ACMG Guidelines, 2015. Collection method: clinical testing. Allele origin: unknown. Affected: yes. Observed: 1 heterozygote.
Comment: This variant is not observed in the gnomAD v2.1.1 dataset (PM2). In silico tool predictions suggest damaging effect of the variant on gene or gene product (REVEL: 0.626, 3Cnet: 0.844, PP3). Therefore, this variant is classified as uncertain significance according to the recommendation of ACMG/AMP guideline.

NM_003917.5(AP1G2):c.259T>C (p.Tyr87His)

Genes: AP1G2-AS1 (AP1G2 antisense RNA 1; plus strand), AP1G2 (adaptor related protein complex 1 subunit gamma 2; minus strand). Cytogenetic location: 14q11.2.
Variant type: single nucleotide variant.
Coding change: c.259T>C on transcript NM_003917.5 (MANE Select); coding-DNA position 259, T replaced by C.
Protein change: p.Tyr87His; replaces tyrosine 87 with histidine.
Molecular consequence: missense variant. On other transcripts: non-coding transcript variant (3), intron variant (6), 5 prime UTR variant (1).
Genome position (GRCh38, 1-based): chr14:23,566,632, A>G on the plus strand (T>C on the coding strand, the complement: AP1G2 is on the minus strand). VCF-style: chr14-23566632-A-G. GRCh37 (hg19) VCF-style: chr14-24035841-A-G.
Other names: c.-988-213T>C (NM_001354675.2); c.-58-213T>C (NM_001354673.2, NM_001282475.2); c.-1047-213T>C (NM_001282474.2); c.-876-213T>C (NM_001354674.2); c.-926-213T>C (NM_001354677.2); c.-870T>C (NM_001354681.2); short protein forms Y87H.
Identifiers: ClinVar variation 1321287 (VCV001321287.1), dbSNP rs2139390248, ClinGen allele CA389059784.